The following is an entry in ClinVar:

ClinVar aggregate classification (germline): Uncertain significance (1 of 4 stars; one submission).

Conditions:
Neonatal-onset encephalopathy with rigidity and seizures. Also called: Lethal neonatal spasticity-epileptic encephalopathy syndrome. Identifiers: Orphanet 435845, MedGen C3281029, MONDO:0013784, OMIM 614498.

Submission:

Labcorp Genetics (formerly Invitae), Labcorp
Classification: Uncertain significance for Neonatal-onset encephalopathy with rigidity and seizures. Last evaluated: 2020-03-18. Review status: criteria provided, single submitter. Criteria: Invitae Variant Classification Sherloc (09022015). Collection method: clinical testing. Allele origin: germline.
Comment: This variant, c.1405_1407del, results in the deletion of 1 amino acid(s) of the BRAT1 protein (p.Lys469del), but otherwise preserves the integrity of the reading frame. In summary, the available evidence is currently insufficient to determine the role of this variant in disease. Therefore, it has been classified as a Variant of Uncertain Significance. Experimental studies and prediction algorithms are not available or were not evaluated, and the functional significance of this variant is currently unknown. This variant has not been reported in the literature in individuals with BRAT1-related conditions. This variant is not present in population databases (ExAC no frequency).

NM_152743.4(BRAT1):c.1402AAG[1] (p.Lys469del)

Gene: BRAT1 (BRCA1 associated ATM activator 1; minus strand). Cytogenetic location: 7p22.3.
Variant type: Microsatellite.
Coding change: c.1402AAG[1] on transcript NM_152743.4 (MANE Select); one copy of the 3-base unit AAG starting at c.1402; the reference has two copies in a row; one copy, 3 bases deleted.
Protein change: p.Lys469del; deletes lysine 469.
Molecular consequence: inframe deletion. On other transcripts: non-coding transcript variant (1).
Genome position (GRCh38, 1-based): chr7:2,539,877-2,539,879, CTT deleted on the plus strand (AAG on the coding strand, the reverse complement: BRAT1 is on the minus strand); deleting any 3 consecutive bases within chr7:2,539,877-2,539,883 gives the same sequence; the position shown is the placement nearest the transcript's 3' end. VCF-style (leftmost placement, unchanged base first): chr7-2539876-CCTT-C. GRCh37 (hg19) VCF-style: chr7-2579510-CCTT-C.
Other names: c.1402AAG[1], p.Lys469del (NM_001350626.2); c.877AAG[1], p.Lys294del (NM_001350627.2); short protein forms K294del, K469del.
Identifiers: ClinVar variation 1035992 (VCV001035992.8), dbSNP rs1779011289, ClinGen allele CA1683199355.